The following is an entry in ClinVar:

ClinVar aggregate classification (germline): Uncertain significance (1 of 4 stars; one submission).

Conditions:
Perlman syndrome (PRLMNS). Identifiers: Orphanet 2849, MedGen C0796113, MONDO:0009965, OMIM 267000.

Allele frequency attached by ClinVar (database versions not stated): gnomAD 0.00001; gnomAD exomes 0.00001.
gnomAD v4.1: 12 of 1,613,984 alleles (0.00074%); highest among the groups gnomAD compares: East Asian, 0.018%; no homozygotes.

Submission:

Labcorp Genetics (formerly Invitae), Labcorp
Classification: Uncertain significance for Perlman syndrome. Last evaluated: 2025-06-30. Review status: criteria provided, single submitter. Criteria: Invitae Variant Classification Sherloc (09022015). Collection method: clinical testing. Allele origin: germline.
Comment: This sequence change replaces lysine, which is basic and polar, with arginine, which is basic and polar, at codon 47 of the DIS3L2 protein (p.Lys47Arg). This variant is not present in population databases (gnomAD no frequency). This variant has not been reported in the literature in individuals affected with DIS3L2-related conditions. ClinVar contains an entry for this variant (Variation ID: 848139). An algorithm developed to predict the effect of missense changes on protein structure and function outputs the following: PolyPhen-2: "Benign". The arginine amino acid residue is found in multiple mammalian species, which suggests that this missense change does not adversely affect protein function. In summary, the available evidence is currently insufficient to determine the role of this variant in disease. Therefore, it has been classified as a Variant of Uncertain Significance.

NM_152383.5(DIS3L2):c.140A>G (p.Lys47Arg)

Gene: DIS3L2 (DIS3 like 3'-5' exoribonuclease 2; plus strand). Cytogenetic location: 2q37.1.
Variant type: single nucleotide variant.
Coding change: c.140A>G on transcript NM_152383.5 (MANE Select); coding-DNA position 140, A replaced by G.
Protein change: p.Lys47Arg; replaces lysine 47 with arginine.
Molecular consequence: missense variant. On other transcripts: non-coding transcript variant (2).
Genome position (GRCh38, 1-based): chr2:232,015,601, A>G. VCF-style: chr2-232015601-A-G. GRCh37 (hg19) VCF-style: chr2-232880311-A-G.
Other names: c.140A>G, p.Lys47Arg (NM_001257281.2, NM_001257282.2); short protein forms K47R.
Identifiers: ClinVar variation 848139 (VCV000848139.7), dbSNP rs1574812771, ClinGen allele CA351151984.